The following is an entry in ClinVar:

NM_003907.3(EIF2B5):c.200_206del (p.Leu67fs)

Gene: EIF2B5 (eukaryotic translation initiation factor 2B subunit epsilon; plus strand). Cytogenetic location: 3q27.1.
Variant type: Deletion.
Coding change: c.200_206del on transcript NM_003907.3 (MANE Select); coding-DNA positions 200 to 206, 7 bases deleted (TCTTGCC; older notation c.200_206delTCTTGCC).
Protein change: p.Leu67fs; shifts the reading frame from leucine 67.
Molecular consequence: frameshift variant.
Genome position (GRCh38, 1-based): chr3:184,136,616-184,136,622, TCTTGCC deleted; deleting any 7 consecutive bases within chr3:184,136,614-184,136,622 gives the same sequence; the c. name uses the placement nearest the transcript's 3' end. VCF-style (leftmost placement, unchanged base first): chr3-184136613-TCCTCTTG-T. GRCh37 (hg19) VCF-style: chr3-183854401-TCCTCTTG-T.
Other names: short protein forms L67fs.
Identifiers: ClinVar variation 2868679 (VCV002868679.3), dbSNP rs2473659503, ClinGen allele CA2586973235.

ClinVar aggregate classification (germline): Pathogenic (1 of 4 stars; one submission).

Submission:

Labcorp Genetics (formerly Invitae), Labcorp
Classification: Pathogenic. Last evaluated: 2023-10-26. Review status: criteria provided, single submitter. Criteria: Invitae Variant Classification Sherloc (09022015). Collection method: clinical testing. Allele origin: germline.
Comment: This sequence change creates a premature translational stop signal (p.Leu67Profs*7) in the EIF2B5 gene. It is expected to result in an absent or disrupted protein product. Loss-of-function variants in EIF2B5 are known to be pathogenic (PMID: 11704758, 15060152, 21307862). This variant is not present in population databases (gnomAD no frequency). This premature translational stop signal has been observed in individual(s) with vanishing white matter disease (PMID: 33432707). For these reasons, this variant has been classified as Pathogenic.

Literature cited by the submitters: PubMed 11704758; PubMed 15060152; PubMed 21307862; PubMed 33432707.